The following is an entry in ClinVar:

ClinVar aggregate classification (germline): Uncertain significance (1 of 4 stars; one submission).

Conditions:
Glycogen storage disease IXb (GSD9B). Also called: GLYCOGENOSIS OF LIVER AND MUSCLE, AUTOSOMAL RECESSIVE; GSD IXb; PHOSPHORYLASE KINASE DEFICIENCY OF LIVER AND MUSCLE, AUTOSOMAL RECESSIVE. Identifiers: Orphanet 79240, MedGen C0543514, MONDO:0009868, OMIM 261750.

Allele frequency attached by ClinVar (database versions not stated): gnomAD exomes 0.00002 and 0.00005; ExAC 0.00003; gnomAD 0.00004; TOPMed 0.00005; 1000 Genomes Project 30x 0.00016; 1000 Genomes Project 0.00020.
gnomAD v4.1: 20 of 1,613,836 alleles (0.0012%); highest among the groups gnomAD compares: Admixed American, 0.025%; no homozygotes.

Submission:

Labcorp Genetics (formerly Invitae), Labcorp
Classification: Uncertain significance for Glycogen storage disease IXb. Last evaluated: 2022-01-18. Review status: criteria provided, single submitter. Criteria: Invitae Variant Classification Sherloc (09022015). Collection method: clinical testing. Allele origin: germline.
Comment: This sequence change replaces isoleucine, which is neutral and non-polar, with valine, which is neutral and non-polar, at codon 876 of the PHKB protein (p.Ile876Val). This variant is present in population databases (rs545345880, gnomAD 0.03%). This variant has not been reported in the literature in individuals affected with PHKB-related conditions. Algorithms developed to predict the effect of missense changes on protein structure and function output the following: SIFT: "Tolerated"; PolyPhen-2: "Benign"; Align-GVGD: "Class C0". The valine amino acid residue is found in multiple mammalian species, which suggests that this missense change does not adversely affect protein function. In summary, the available evidence is currently insufficient to determine the role of this variant in disease. Therefore, it has been classified as a Variant of Uncertain Significance.

NM_000293.3(PHKB):c.2626A>G (p.Ile876Val)

Gene: PHKB (phosphorylase kinase regulatory subunit beta; plus strand). Cytogenetic location: 16q12.1.
Variant type: single nucleotide variant.
Coding change: c.2626A>G on transcript NM_000293.3 (MANE Select); coding-DNA position 2626, A replaced by G.
Protein change: p.Ile876Val; replaces isoleucine 876 with valine.
Molecular consequence: missense variant.
Genome position (GRCh38, 1-based): chr16:47,669,413, A>G. VCF-style: chr16-47669413-A-G. GRCh37 (hg19) VCF-style: chr16-47703324-A-G.
Other names: c.2605A>G, p.Ile869Val (NM_001031835.3); c.2626A>G, p.Ile876Val (NM_001363837.1); short protein forms I876V, I869V.
Identifiers: ClinVar variation 1399181 (VCV001399181.5), dbSNP rs545345880, ClinGen allele CA8041283.
Genomic context (GRCh38, chr16:47,669,413, plus strand): 5'-CATATTGGCTGGATCATCTCCAATAACCCTGAGTTATTCAGTGGCATGCTGAAAATACGA[A>G]TCGGGTGAGTGAAGTCCTTTGCATTTGCATAAAGAGAATTGTTCAAGTTGTCCTCTAACA-3'
Protein context (NP_000284.1, residues 866-886): ELFSGMLKIR[Ile876Val]GWIIHAMEYE